The following is an entry in ClinVar:

NM_006904.7(PRKDC):c.10054G>A (p.Glu3352Lys)

Gene: PRKDC (protein kinase, DNA-activated, catalytic subunit; minus strand). Cytogenetic location: 8q11.21.
Variant type: single nucleotide variant.
Coding change: c.10054G>A on transcript NM_006904.7 (MANE Select); coding-DNA position 10054, G replaced by A.
Protein change: p.Glu3352Lys; replaces glutamic acid 3352 with lysine.
Molecular consequence: missense variant.
Genome position (GRCh38, 1-based): chr8:47,800,855, C>T on the plus strand (G>A on the coding strand, the complement: PRKDC is on the minus strand). VCF-style: chr8-47800855-C-T. GRCh37 (hg19) VCF-style: chr8-48713416-C-T.
Other names: c.10054G>A, p.Glu3352Lys (NM_001081640.2); short protein forms E3352K.
Identifiers: ClinVar variation 662384 (VCV000662384.4), dbSNP rs188295022, ClinGen allele CA4739412.

ClinVar aggregate classification (germline): Uncertain significance (1 of 4 stars; one submission).

Conditions:
Severe combined immunodeficiency due to DNA-PKcs deficiency. Also called: IMMUNODEFICIENCY 26 WITH NEUROLOGIC ABNORMALITIES; Immunodeficiency 26 with or without neurologic abnormalities. Identifiers: Orphanet 317425, MedGen C4014833, MONDO:0014423, OMIM 615966.

Allele frequency attached by ClinVar (database versions not stated): gnomAD 0.00001 and 0.00005; gnomAD exomes 0.00005 and 0.00007; TOPMed 0.00005; ExAC 0.00007; 1000 Genomes Project 0.00060; 1000 Genomes Project 30x 0.00078.
gnomAD v4.1: 86 of 1,613,318 alleles (0.0053%); highest among the groups gnomAD compares: Middle Eastern, 0.066%; no homozygotes.

Submission:

Labcorp Genetics (formerly Invitae), Labcorp
Classification: Uncertain significance for Severe combined immunodeficiency due to DNA-PKcs deficiency. Last evaluated: 2024-07-15. Review status: criteria provided, single submitter. Criteria: Invitae Variant Classification Sherloc (09022015). Collection method: clinical testing. Allele origin: germline.
Comment: This sequence change replaces glutamic acid, which is acidic and polar, with lysine, which is basic and polar, at codon 3352 of the PRKDC protein (p.Glu3352Lys). This variant is present in population databases (rs188295022, gnomAD 0.02%). This variant has not been reported in the literature in individuals affected with PRKDC-related conditions. ClinVar contains an entry for this variant (Variation ID: 662384). Advanced modeling of protein sequence and biophysical properties (such as structural, functional, and spatial information, amino acid conservation, physicochemical variation, residue mobility, and thermodynamic stability) performed at Invitae indicates that this missense variant is not expected to disrupt PRKDC protein function with a negative predictive value of 80%. In summary, the available evidence is currently insufficient to determine the role of this variant in disease. Therefore, it has been classified as a Variant of Uncertain Significance.